The following is an entry in ClinVar:

NM_000179.3(MSH6):c.1490G>C (p.Arg497Thr)

Gene: MSH6 (mutS homolog 6; plus strand). Cytogenetic location: 2p16.3.
Variant type: single nucleotide variant.
Coding change: c.1490G>C on transcript NM_000179.3 (MANE Select); coding-DNA position 1490, G replaced by C.
Protein change: p.Arg497Thr; replaces arginine 497 with threonine.
Molecular consequence: missense variant. On other transcripts: non-coding transcript variant (4), intron variant (1).
Genome position (GRCh38, 1-based): chr2:47,799,473, G>C. VCF-style: chr2-47799473-G-C. GRCh37 (hg19) VCF-style: chr2-48026612-G-C.
Other names: c.1100G>C, p.Arg367Thr (NM_001281492.2); c.584G>C, p.Arg195Thr (NM_001281493.2, NM_001281494.2, NM_001406811.1 and 6 more transcripts); c.1586G>C, p.Arg529Thr (NM_001406795.1, NM_001406802.1); c.1490G>C, p.Arg497Thr (NM_001406796.1, NM_001406798.1, NM_001406800.1 and 4 more transcripts); c.1193G>C, p.Arg398Thr (NM_001406797.1, NM_001406801.1, NM_001406805.1 and 10 more transcripts); c.965G>C, p.Arg322Thr (NM_001406799.1, NM_001406806.1, NM_001406807.1); c.1412G>C, p.Arg471Thr (NM_001406804.1); c.1496G>C, p.Arg499Thr (NM_001406813.1); and 2 more; short protein forms R441T, R497T, R529T, R322T, R471T, R499T, R195T, R367T.
Identifiers: ClinVar variation 3875101 (VCV003875101.1).

ClinVar aggregate classification (germline): Uncertain significance (1 of 4 stars; one submission).

Conditions:
Hereditary cancer-predisposing syndrome. Also called: Tumor predisposition; Neoplastic Syndromes, Hereditary; Hereditary Cancer Syndrome; Hereditary neoplastic syndrome. Identifiers: Orphanet 140162, MedGen C0027672, MeSH D009386, MONDO:0015356.

Submission:

Ambry Genetics
Classification: Uncertain significance for Hereditary cancer-predisposing syndrome. Last evaluated: 2025-03-02. Review status: criteria provided, single submitter. Criteria: Ambry Variant Classification Scheme 2023. Collection method: clinical testing. Allele origin: germline.
Comment: The p.R497T variant (also known as c.1490G>C), located in coding exon 4 of the MSH6 gene, results from a G to C substitution at nucleotide position 1490. The arginine at codon 497 is replaced by threonine, an amino acid with similar properties. This amino acid position is conserved. In addition, the in silico prediction for this alteration is inconclusive. Based on the available evidence, the clinical significance of this variant remains unclear.